The following is an entry in ClinVar:

ClinVar aggregate classification (germline): Uncertain significance. Review status: criteria provided, multiple submitters, no conflicts (2 of 4 stars). 2 submissions from 2 submitters: Uncertain significance (2). Last evaluated 2026-01-19.

Conditions:
Emery-Dreifuss muscular dystrophy 4, autosomal dominant (EDMD4). Also called: EMERY-DREIFUSS MUSCULAR DYSTROPHY 4 WITH VARIABLE FEATURES. Identifiers: Orphanet 261, MedGen C2751807, MONDO:0013071, OMIM 612998.
Autosomal recessive ataxia, Beauce type. Also called: SYNE1-Related Autosomal Recessive Cerebellar Ataxia; Spinocerebellar ataxia, autosomal recessive 8; ATAXIA, RECESSIVE, OF BEAUCE; SYNE1 Deficiency. Identifiers: Orphanet 88644, MedGen C1853116, MONDO:0012549, OMIM 610743.

Allele frequency attached by ClinVar (database versions not stated): gnomAD exomes 0.00001 and 0.00002; ExAC 0.00002; gnomAD 0.00002; TOPMed 0.00003.
gnomAD v4.1: 21 of 1,613,566 alleles (0.0013%); highest among the groups gnomAD compares: East Asian, 0.013%; no homozygotes.

Submissions (2):

Labcorp Genetics (formerly Invitae), Labcorp
Classification: Uncertain significance for Emery-Dreifuss muscular dystrophy 4, autosomal dominant; Autosomal recessive ataxia, Beauce type. Last evaluated: 2026-01-19. Review status: criteria provided, single submitter. Criteria: Invitae Variant Classification Sherloc (09022015). Collection method: clinical testing. Allele origin: germline.
Comment: This sequence change replaces arginine, which is basic and polar, with cysteine, which is neutral and slightly polar, at codon 7449 of the SYNE1 protein (p.Arg7449Cys). This variant is present in population databases (rs755621860, gnomAD 0.02%). This variant has not been reported in the literature in individuals affected with SYNE1-related conditions. ClinVar contains an entry for this variant (Variation ID: 498280). An algorithm developed to predict the effect of missense changes on protein structure and function (PolyPhen-2) suggests that this variant is likely to be disruptive. In summary, the available evidence is currently insufficient to determine the role of this variant in disease. Therefore, it has been classified as a Variant of Uncertain Significance.

Eurofins Ntd Llc (ga)
Classification: Uncertain significance. Last evaluated: 2016-11-04. Review status: criteria provided, single submitter. Criteria: EGL Classification Definitions 2015. Collection method: clinical testing. Allele origin: germline. Observed: 1 variant allele, 1 heterozygote.

NM_182961.4(SYNE1):c.22558C>T (p.Arg7520Cys)

Gene: SYNE1 (spectrin repeat containing nuclear envelope protein 1; minus strand). Cytogenetic location: 6q25.2.
Variant type: single nucleotide variant.
Coding change: c.22558C>T on transcript NM_182961.4 (MANE Select); coding-DNA position 22558, C replaced by T.
Protein change: p.Arg7520Cys; replaces arginine 7520 with cysteine.
Molecular consequence: missense variant.
Genome position (GRCh38, 1-based): chr6:152,211,525, G>A on the plus strand (C>T on the coding strand, the complement: SYNE1 is on the minus strand). VCF-style: chr6-152211525-G-A. GRCh37 (hg19) VCF-style: chr6-152532660-G-A.
Other names: c.22345C>T, p.Arg7449Cys (NM_033071.5); short protein forms R7449C, R7520C.
Identifiers: ClinVar variation 498280 (VCV000498280.10), dbSNP rs755621860, ClinGen allele CA4053845.